The following is an entry in ClinVar:

ClinVar aggregate classification (germline): Uncertain significance (1 of 4 stars; one submission).

gnomAD v4.1: 1 of 1,613,532 alleles (0.000062%); highest among the groups gnomAD compares: Non-Finnish European, 0.000085%; no homozygotes.

Submission:

GeneDx
Classification: Uncertain significance. Last evaluated: 2024-07-30. Review status: criteria provided, single submitter. Criteria: GeneDx Variant Classification Process June 2021. Collection method: clinical testing. Allele origin: germline. Affected: yes.
Comment: Not observed at significant frequency in large population cohorts (gnomAD); In silico analysis indicates that this missense variant does not alter protein structure/function; Has not been previously published as pathogenic or benign to our knowledge

NM_003200.5(TCF3):c.261C>A (p.Ser87Arg)

Gene: TCF3 (transcription factor 3; minus strand). Cytogenetic location: 19p13.3.
Variant type: single nucleotide variant.
Coding change: c.261C>A on transcript NM_003200.5 (MANE Select); coding-DNA position 261, C replaced by A.
Protein change: p.Ser87Arg; replaces serine 87 with arginine.
Molecular consequence: missense variant.
Genome position (GRCh38, 1-based): chr19:1,632,075, G>T on the plus strand (C>A on the coding strand, the complement: TCF3 is on the minus strand). VCF-style: chr19-1632075-G-T. GRCh37 (hg19) VCF-style: chr19-1632074-G-T.
Other names: c.261C>A, p.Ser87Arg (NM_001136139.4, NM_001351778.2, NM_001351779.2); short protein forms S87R.
Identifiers: ClinVar variation 3602382 (VCV003602382.1).
Genomic context (GRCh38, chr19:1,632,075, plus strand): 5'-ACCGCACCAGGCCAGGCACTCACCTCCGAGTCCCGGTCCCAGGAATGTGGATGAAGAGAG[G>T]CTGCTGTGCGACTCAGTGAAGTGGGTGCCCTCGCTGAAGGTCTAGGGGAGATGGGGTGGG-3'
Protein context (NP_003191.1, residues 77-97): EGTHFTESHS[Ser87Arg]LSSSTFLGPG